The following is an entry in ClinVar:

ClinVar aggregate classification (germline): Uncertain significance (1 of 4 stars; one submission).

Submission:

Mayo Clinic Laboratories, Mayo Clinic
Classification: Uncertain significance. Last evaluated: 2024-02-27. Review status: criteria provided, single submitter. Criteria: ACMG Guidelines, 2015. Collection method: clinical testing. Allele origin: germline. Observed: 1 variant allele.
Comment: PM2_moderate

NM_001142864.4(PIEZO1):c.3980T>C (p.Leu1327Pro)

Gene: PIEZO1 (piezo type mechanosensitive ion channel component 1 (Er blood group); minus strand). Cytogenetic location: 16q24.3.
Variant type: single nucleotide variant.
Coding change: c.3980T>C on transcript NM_001142864.4 (MANE Select); coding-DNA position 3980, T replaced by C.
Protein change: p.Leu1327Pro; replaces leucine 1327 with proline.
Molecular consequence: missense variant.
Genome position (GRCh38, 1-based): chr16:88,725,673, A>G on the plus strand (T>C on the coding strand, the complement: PIEZO1 is on the minus strand). VCF-style: chr16-88725673-A-G. GRCh37 (hg19) VCF-style: chr16-88792081-A-G.
Other names: p.Leu1327Pro; short protein forms L1327P.
Identifiers: ClinVar variation 3380429 (VCV003380429.1).